The following is an entry in ClinVar:

ClinVar aggregate classification (germline): Uncertain significance. Review status: criteria provided, multiple submitters, no conflicts (2 of 4 stars). 3 submissions from 3 submitters: Uncertain significance (3). Last evaluated 2021-09-07.

Conditions:
Hereditary cancer-predisposing syndrome. Also called: Neoplastic Syndromes, Hereditary; Hereditary Cancer Syndrome; Tumor predisposition; Hereditary neoplastic syndrome. Identifiers: Orphanet 140162, MedGen C0027672, MeSH D009386, MONDO:0015356.
Hereditary diffuse gastric adenocarcinoma (HDGC). Also called: DIFFUSE GASTRIC AND LOBULAR BREAST CANCER SYNDROME. Identifiers: Orphanet 26106, MedGen C1708349, MONDO:0007648, OMIM 137215.

gnomAD v4.1: 1 of 1,614,202 alleles (0.000062%); no homozygotes.

Submissions (3):

Color Diagnostics, LLC DBA Color Health
Classification: Uncertain significance for Hereditary cancer-predisposing syndrome. Last evaluated: 2021-09-07. Review status: criteria provided, single submitter. Criteria: ACMG Guidelines, 2015. Collection method: clinical testing. Allele origin: germline.
Comment: This missense variant replaces isoleucine with valine at codon 326 of the CDH1 protein. To our knowledge, functional studies have not been reported for this variant. This variant has not been reported in individuals affected with hereditary cancer in the literature. This variant has not been identified in the general population by the Genome Aggregation Database (gnomAD). The available evidence is insufficient to determine the role of this variant in disease conclusively. Therefore, this variant is classified as a Variant of Uncertain Significance.

Labcorp Genetics (formerly Invitae), Labcorp
Classification: Uncertain significance for Hereditary diffuse gastric adenocarcinoma. Last evaluated: 2021-05-04. Review status: criteria provided, single submitter. Criteria: Invitae Variant Classification Sherloc (09022015). Collection method: clinical testing. Allele origin: germline.
Comment: In summary, the available evidence is currently insufficient to determine the role of this variant in disease. Therefore, it has been classified as a Variant of Uncertain Significance. This variant disrupts the p.Ile326 amino acid residue in CDH1. Other variant(s) that disrupt this residue have been observed in individuals with CDH1-related conditions (PMID: 28487081), which suggests that this may be a clinically significant amino acid residue. Algorithms developed to predict the effect of sequence changes on RNA splicing suggest that this variant may create or strengthen a splice site, but this prediction has not been confirmed by published transcriptional studies. Algorithms developed to predict the effect of missense changes on protein structure and function (SIFT, PolyPhen-2, Align-GVGD) all suggest that this variant is likely to be disruptive, but these predictions have not been confirmed by published functional studies and their clinical significance is uncertain. This variant has not been reported in the literature in individuals with CDH1-related conditions. ClinVar contains an entry for this variant (Variation ID: 584916). This variant is not present in population databases (ExAC no frequency). This sequence change replaces isoleucine with valine at codon 326 of the CDH1 protein (p.Ile326Val). The isoleucine residue is highly conserved and there is a small physicochemical difference between isoleucine and valine.

Mendelics
Classification: Uncertain significance for Hereditary diffuse gastric cancer. Last evaluated: 2018-07-02. Review status: criteria provided, single submitter. Criteria: Mendelics Assertion Criteria 2017. Collection method: clinical testing. Allele origin: unknown.

Literature cited by the submitters: PubMed 28487081 (cited by Labcorp Genetics (formerly Invitae), Labcorp).

NM_004360.5(CDH1):c.976A>G (p.Ile326Val)

Gene: CDH1 (cadherin 1; plus strand). Cytogenetic location: 16q22.1.
Variant type: single nucleotide variant.
Coding change: c.976A>G on transcript NM_004360.5 (MANE Select); coding-DNA position 976, A replaced by G.
Protein change: p.Ile326Val; replaces isoleucine 326 with valine.
Molecular consequence: missense variant. On other transcripts: 5 prime UTR variant (2).
Genome position (GRCh38, 1-based): chr16:68,811,827, A>G. VCF-style: chr16-68811827-A-G. GRCh37 (hg19) VCF-style: chr16-68845730-A-G.
Other names: c.976A>G, p.Ile326Val (NM_001317184.2); c.-640A>G (NM_001317185.2); c.-844A>G (NM_001317186.2); short protein forms I326V.
Identifiers: ClinVar variation 584916 (VCV000584916.12), dbSNP rs1567506764, ClinGen allele CA396459844.
Genomic context (GRCh38, chr16:68,811,827, plus strand): 5'-AGCCAAGATCCTGAGCTCCCTGACAAAAATATGTTCACCATTAACAGGAACACAGGAGTC[A>G]TCAGTGTGGTCACCACTGGGCTGGACCGAGAGGTCAGGGGTCAGGAGGATCCAGAGGGTG-3'
Protein context (NP_004351.1, residues 316-336): MFTINRNTGV[Ile326Val]SVVTTGLDRE